The following is an entry in ClinVar:

NM_000540.3(RYR1):c.13863G>A (p.Glu4621=)

Gene: RYR1 (ryanodine receptor 1; plus strand). Cytogenetic location: 19q13.2.
Variant type: single nucleotide variant.
Coding change: c.13863G>A on transcript NM_000540.3 (MANE Select); coding-DNA position 13863, G replaced by A.
Protein change: p.Glu4621=; no amino-acid change (glutamic acid 4621 retained).
Molecular consequence: synonymous variant.
Genome position (GRCh38, 1-based): chr19:38,572,135, G>A. VCF-style: chr19-38572135-G-A. GRCh37 (hg19) VCF-style: chr19-39062775-G-A.
Other names: c.13848G>A, p.Glu4616= (NM_001042723.2).
Identifiers: ClinVar variation 256434 (VCV000256434.57), dbSNP rs140750876, ClinGen allele CA060605.

ClinVar aggregate classification (germline): Likely benign. Review status: criteria provided, multiple submitters, no conflicts (2 of 4 stars). 8 submissions from 8 submitters: Likely benign (8). Last evaluated 2026-06-01.

Conditions:
RYR1-related disorder. Also called: RYR1-related disorders; RYR1-related condition. Identifiers: MedGen CN239331.
Malignant hyperthermia, susceptibility to, 1 (MHS1). Also called: Anesthesia related hyperthermia; Malignant hyperpyrexia; Fulminating hyperpyrexia; Pharmacogenic myopathy; RYR1-Related Malignant Hyperthermia Susceptibility; Malignant hyperthermia suceptibility 1. Identifiers: Orphanet 423, MedGen C2930980, MONDO:0007783, OMIM 145600.

Allele frequency attached by ClinVar (database versions not stated): 1000 Genomes Project 30x 0.00016; 1000 Genomes Project 0.00020; ESP Exome Variant Server 0.00031; gnomAD 0.00034 and 0.00036; TOPMed 0.00042; gnomAD exomes 0.00051; ExAC 0.00053.
gnomAD v4.1: 800 of 1,613,910 alleles (0.05%); highest among the groups gnomAD compares: Non-Finnish European, 0.06%; 1 homozygote.

Submissions (8):

CeGaT Center for Human Genetics Tuebingen
Classification: Likely benign. Last evaluated: 2026-06-01. Review status: criteria provided, single submitter. Criteria: CeGaT Center For Human Genetics Tuebingen Variant Classification Criteria Version 2. Collection method: clinical testing. Allele origin: germline. Affected: yes. Observed: 7 variant alleles.
Comment: RYR1: BP4, BP7

Labcorp Genetics (formerly Invitae), Labcorp
Classification: Likely benign for RYR1-related disorder. Last evaluated: 2026-01-27. Review status: criteria provided, single submitter. Criteria: Invitae Variant Classification Sherloc (09022015). Collection method: clinical testing. Allele origin: germline.

Women's Health and Genetics/Laboratory Corporation of America, LabCorp
Classification: Likely benign. Last evaluated: 2026-01-27. Review status: criteria provided, single submitter. Criteria: LabCorp Variant Classification Summary - May 2015. Collection method: clinical testing. Allele origin: germline.

Blueprint Genetics
Classification: Likely benign. Last evaluated: 2024-10-09. Review status: criteria provided, single submitter. Criteria: ACMG Guidelines, 2015. Collection method: clinical testing. Allele origin: germline.

All of Us Research Program, National Institutes of Health
Classification: Likely benign for Malignant hyperthermia, susceptibility to, 1. Last evaluated: 2024-02-05. Review status: criteria provided, single submitter. Criteria: ACMG Guidelines, 2015. Collection method: clinical testing. Allele origin: germline. Inheritance: Autosomal dominant inheritance. Observed: 108 variant alleles, 108 heterozygotes.
Comment: This study involves interpretation of variants in research participants for the purpose of population health screening. Participant phenotype was not available at the time of variant classification. Additional details can be found in publication PMID: 35346344, PMCID: PMC8962531

Color Diagnostics, LLC DBA Color Health
Classification: Likely benign for Malignant hyperthermia, susceptibility to, 1. Last evaluated: 2022-04-29. Review status: criteria provided, single submitter. Criteria: ACMG Guidelines, 2015. Collection method: clinical testing. Allele origin: germline.

GeneDx
Classification: Likely benign. Last evaluated: 2021-02-24. Review status: criteria provided, single submitter. Criteria: GeneDx Variant Classification Process June 2021. Collection method: clinical testing. Allele origin: germline. Affected: yes.

PreventionGenetics, part of Exact Sciences
Classification: Likely benign. Review status: criteria provided, single submitter. Criteria: ACMG Guidelines, 2015. Collection method: clinical testing. Allele origin: germline.